The following is an entry in ClinVar:

ClinVar aggregate classification (germline): Benign/Likely benign. Review status: criteria provided, multiple submitters, no conflicts (2 of 4 stars). 5 submissions from 5 submitters: Benign (1); Likely benign (4). Last evaluated 2025-07-22.

Conditions:
Hereditary diffuse gastric adenocarcinoma (HDGC). Also called: DIFFUSE GASTRIC AND LOBULAR BREAST CANCER SYNDROME. Identifiers: Orphanet 26106, MedGen C1708349, MONDO:0007648, OMIM 137215.
Hereditary cancer-predisposing syndrome. Also called: Neoplastic Syndromes, Hereditary; Hereditary Cancer Syndrome; Tumor predisposition; Hereditary neoplastic syndrome. Identifiers: Orphanet 140162, MedGen C0027672, MeSH D009386, MONDO:0015356.

Allele frequency attached by ClinVar (database versions not stated): gnomAD exomes below 0.00001; ExAC 0.00001.
gnomAD v4.1: 1 of 1,614,094 alleles (0.000062%); highest among the groups gnomAD compares: Non-Finnish European, 0.000085%; no homozygotes.

Submissions (5):

Labcorp Genetics (formerly Invitae), Labcorp
Classification: Likely benign for Hereditary diffuse gastric adenocarcinoma. Last evaluated: 2025-07-22. Review status: criteria provided, single submitter. Criteria: Invitae Variant Classification Sherloc (09022015). Collection method: clinical testing. Allele origin: germline.

Myriad Genetics, Inc.
Classification: Benign for Hereditary diffuse gastric adenocarcinoma. Last evaluated: 2024-09-23. Review status: criteria provided, single submitter. Criteria: Myriad Autosomal Dominant, Autosomal Recessive and X-Linked Classification Criteria (2023). Collection method: clinical testing. Allele origin: unknown.
Comment: This variant is considered benign. This variant is a silent/synonymous amino acid change and it is not expected to impact splicing.

Ambry Genetics
Classification: Likely benign for Hereditary cancer-predisposing syndrome. Last evaluated: 2021-04-14. Review status: criteria provided, single submitter. Criteria: Ambry Variant Classification Scheme 2023. Collection method: clinical testing. Allele origin: germline.

Blueprint Genetics
Classification: Likely benign. Last evaluated: 2020-09-12. Review status: criteria provided, single submitter. Criteria: ACMG Guidelines, 2015. Collection method: clinical testing. Allele origin: germline.

Color Diagnostics, LLC DBA Color Health
Classification: Likely benign for Hereditary cancer-predisposing syndrome. Last evaluated: 2020-08-03. Review status: criteria provided, single submitter. Criteria: ACMG Guidelines, 2015. Collection method: clinical testing. Allele origin: germline.

NM_004360.5(CDH1):c.2337G>C (p.Arg779=)

Gene: CDH1 (cadherin 1; plus strand). Cytogenetic location: 16q22.1.
Variant type: single nucleotide variant.
Coding change: c.2337G>C on transcript NM_004360.5 (MANE Select); coding-DNA position 2337, G replaced by C.
Protein change: p.Arg779=; no amino-acid change (arginine 779 retained).
Molecular consequence: synonymous variant.
Genome position (GRCh38, 1-based): chr16:68,829,695, G>C. VCF-style: chr16-68829695-G-C. GRCh37 (hg19) VCF-style: chr16-68863598-G-C.
Other names: c.2154G>C, p.Arg718= (NM_001317184.2); c.789G>C, p.Arg263= (NM_001317185.2); c.372G>C, p.Arg124= (NM_001317186.2).
Identifiers: ClinVar variation 742652 (VCV000742652.17), dbSNP rs771292184, ClinGen allele CA8130259.